The following is an entry in ClinVar:

NM_001080421.3(UNC13A):c.1149G>A (p.Gly383=)

Gene: UNC13A (unc-13 homolog A; minus strand). Cytogenetic location: 19p13.11.
Variant type: single nucleotide variant.
Coding change: c.1149G>A on transcript NM_001080421.3 (MANE Select); coding-DNA position 1149, G replaced by A.
Protein change: p.Gly383=; no amino-acid change (glycine 383 retained).
Molecular consequence: synonymous variant.
Genome position (GRCh38, 1-based): chr19:17,656,017, C>T on the plus strand (G>A on the coding strand, the complement: UNC13A is on the minus strand). VCF-style: chr19-17656017-C-T. GRCh37 (hg19) VCF-style: chr19-17766826-C-T.
Other names: c.1149G>A, p.Gly383= (NM_001387021.1, NM_001387022.1, NM_001387023.1).
Identifiers: ClinVar variation 3049199 (VCV003049199.2), dbSNP rs376388424, ClinGen allele CA9298597.
Genomic context (GRCh38, chr19:17,656,017, plus strand): 5'-GGGGGCCACCTTGGCCATGTCGGGGGCCTCGGTGGGTGCCACTGGGGCCTTGTCCTCCTT[C>T]CCTGGGGCAGCTGGCGGGAGGCTGATGCGTTTGAAGTCTTTGGGCTCAGCCACAGCTACG-3'
Protein context (NP_001073890.2, residues 373-393): KRISLPPAAP[Gly383=]KEDKAPVAPT

ClinVar aggregate classification (germline): Likely benign (0 of 4 stars; one submission).

Conditions:
UNC13A-related disorder. Also called: UNC13A-related condition.

Allele frequency attached by ClinVar (database versions not stated): gnomAD 0.00020; TOPMed 0.00025; gnomAD exomes 0.00026; ESP Exome Variant Server 0.00032; ExAC 0.00036; 1000 Genomes Project 30x 0.00047; 1000 Genomes Project 0.00060.
gnomAD v4.1: 400 of 1,578,396 alleles (0.025%); highest among the groups gnomAD compares: Middle Eastern, 0.12%; no homozygotes.

Submission:

PreventionGenetics, part of Exact Sciences
Classification: Likely benign for UNC13A-related condition. Last evaluated: 2022-12-12. Review status: no assertion criteria provided. Collection method: clinical testing. Allele origin: germline.
Comment: This variant is classified as likely benign based on ACMG/AMP sequence variant interpretation guidelines (Richards et al. 2015 PMID: 25741868, with internal and published modifications).